The following is an entry in ClinVar:

ClinVar aggregate classification (germline): Pathogenic/Likely pathogenic. Review status: criteria provided, multiple submitters, no conflicts (2 of 4 stars). 7 submissions from 7 submitters: Pathogenic (4); Likely pathogenic (2). 1 of the submissions does not count toward it. Last evaluated 2025-12-29.

Conditions:
von Willebrand disease type 1 (VWD1). Also called: VWD, TYPE 1; VON WILLEBRAND DISEASE, TYPE I. Identifiers: Orphanet 166078, Orphanet 903, MedGen C1264039, MONDO:0008668, OMIM 193400. Inheritance: autosomal recessive or autosomal dominant.
von Willebrand disease type 2 (VWD2). Also called: VWD, TYPE 2; VON WILLEBRAND DISEASE, TYPE 2A/IIE; VON WILLEBRAND DISEASE, TYPE 2CB; VON WILLEBRAND DISEASE, TYPE II. Identifiers: Orphanet 166081, Orphanet 903, MedGen C1264040, MONDO:0013304, OMIM 613554.
von Willebrand disease type 3 (VWD3). Also called: Type 3 Von Willebrand's disease; Type 3 VWD; Von Willebrand disease, severe form; V WD3; VON WILLEBRAND DISEASE, TYPE III. Identifiers: Orphanet 166096, MedGen C1264041, MONDO:0010191, OMIM 277480.

Allele frequency attached by ClinVar (database versions not stated): gnomAD 0.00001; gnomAD exomes 0.00001; ExAC 0.00002; TOPMed 0.00003.
gnomAD v4.1: 8 of 1,613,812 alleles (0.0005%); highest among the groups gnomAD compares: East Asian, 0.0045%; no homozygotes.

Submissions (7):

Center for Genomic Medicine, Rigshospitalet, Copenhagen University Hospital
Classification: Pathogenic. Last evaluated: 2025-12-29. Review status: criteria provided, single submitter. Criteria: ACMG Guidelines, 2015. Collection method: clinical testing. Allele origin: germline.
Comment: Classification criteria: PS3, PS4_Moderate, PM2_Supporting, PP3, PP4

ARUP Laboratories, Molecular Genetics and Genomics, ARUP Laboratories
Classification: Pathogenic. Last evaluated: 2024-12-19. Review status: criteria provided, single submitter. Criteria: ARUP Molecular Germline Variant Investigation Process 2024. Collection method: clinical testing. Allele origin: germline.
Comment: The VWF c.4075G>A; p.Glu1359Lys variant (rs61749407; ClinVar Variation ID: 100321).), also known as Glu596Lys, is published in the medical literature in multiple individuals with von Willibrand disease type 2M (Meyer 1997, Michiels 2019, Veyradier 2016). This variant is only observed on four alleles in the Genome Aggregation Database (v2.1.1), indicating it is not a common polymorphism. Computational analyses predict that this variant is deleterious (REVEL: 0.791). This variant has also been shown to have a reduced platelet binding (Ajzenberg 2000, Matsushita 2000, Rayes 2007, Tischer 2014). Considering available information, this variant is considered to be pathogenic. References: Ajzenberg N et al. Effect of recombinant von Willebrand factor reproducing type 2B or type 2M mutations on shear-induced platelet aggregation. Blood. 2000 Jun 15;95(12):3796-803. PMID: 10845912 Matsushita T et al. Localization of von willebrand factor-binding sites for platelet glycoprotein Ib and botrocetin by charged-to-alanine scanning mutagenesis. J Biol Chem. 2000 Apr 14;275(15):11044-9. PMID: 10753907 Meyer D et al. Gene defects in 150 unrelated French cases with type 2 von Willebrand disease: from the patient to the gene. INSERM Network on Molecular Abnormalities in von Willebrand Disease. Thromb Haemost. 1997 Jul;78(1):451-6. PMID: 9198195 Michiels JJ et al. Determination of Two Rapid Von Willebrand Factor (VWF) Activity assays VWF: Gpibm and VWF: Gpibr in Well Defined Von Willebrand Disease Patients Using a Complete Set of Classical and Sensitive VWF Assays. J Hematol Thrombo Dis. 2019, 6(5):299. Rayes J et al. Effect of von Willebrand disease type 2B and type 2M mutations on the susceptibility of von Willebrand factor to ADAMTS-13. J Thromb Haemost. 2007 Feb;5(2):321-8. PMID: 17087728 Tischer A et al. Misfolding of vWF to pathologically disordered conformations impacts the severity of von Willebrand disease. Biophys J. 2014 Sep 2;107(5):1185-1195. PMID: 25185554 Veyradier A et al. A Laboratory Phenotype/Genotype Correlation of 1167 French Patients From 670 Families With von Willebrand Disease: A New Epidemiologic Picture. Medicine (Baltimore). 2016 Mar;95(11):e3038. PMID: 26986123

Mayo Clinic Laboratories, Mayo Clinic
Classification: Likely pathogenic. Last evaluated: 2024-10-23. Review status: criteria provided, single submitter. Criteria: ACMG Guidelines, 2015. Collection method: clinical testing. Allele origin: germline. Observed: 1 variant allele.
Comment: PP3, PM2_supporting, PS3, PS4_moderate

Genomic Medicine Center of Excellence, King Faisal Specialist Hospital and Research Centre
Classification: Pathogenic for von Willebrand disease type 1. Last evaluated: 2024-03-25. Review status: criteria provided, single submitter. Criteria: ACMG Guidelines, 2015. Collection method: research. Allele origin: germline.

Laboratory of Hematology, Radboud University Medical Center
Classification: Pathogenic for von Willebrand disease type 1. Last evaluated: 2020-12-10. Review status: criteria provided, single submitter. Criteria: ACMG Guidelines, 2015. Collection method: research. Allele origin: germline. Affected: yes. Observed: 1 variant allele. Study: WIN study.

Juno Genomics, Hangzhou Juno Genomics, Inc
Classification: Likely pathogenic for von Willebrand disease type 2; von Willebrand disease type 1; von Willebrand disease type 3. Review status: criteria provided, single submitter. Criteria: ACMG Guidelines, 2015. Collection method: clinical testing. Allele origin: germline.
Comment: Absent from controls (or at extremely low frequency if recessive) in Genome Aggregation Database.;Multiple lines of computational evidence support a deleterious effect on the gene or gene product.;The prevalence of the variant in affected individuals is significantly increased compared to the prevalence in controls.;Patient's phenotype or family history is highly specific for a disease with a single genetic etiology.

Academic Unit of Haematology, University of Sheffield
No classification provided. Review status: no classification provided. Collection method: not provided. Allele origin: not provided. Not counted in ClinVar's aggregate classification.

Literature cited by the submitters: PubMed 20301765 (cited by Center for Genomic Medicine, Rigshospitalet, Copenhagen University Hospital); PubMed 27913546 (cited by Center for Genomic Medicine, Rigshospitalet, Copenhagen University Hospital); PubMed 26986123 (cited by Center for Genomic Medicine, Rigshospitalet, Copenhagen University Hospital and Mayo Clinic Laboratories, Mayo Clinic); PubMed 9198195 (cited by Center for Genomic Medicine, Rigshospitalet, Copenhagen University Hospital and Mayo Clinic Laboratories, Mayo Clinic); PubMed 25185554 (cited by Center for Genomic Medicine, Rigshospitalet, Copenhagen University Hospital and Mayo Clinic Laboratories, Mayo Clinic); PubMed 10845912 (cited by Center for Genomic Medicine, Rigshospitalet, Copenhagen University Hospital and Mayo Clinic Laboratories, Mayo Clinic); PubMed 10753907 (cited by Mayo Clinic Laboratories, Mayo Clinic); PubMed 17087728 (cited by Mayo Clinic Laboratories, Mayo Clinic); PubMed 22102189 (cited by Mayo Clinic Laboratories, Mayo Clinic); PubMed 26200876 (cited by Mayo Clinic Laboratories, Mayo Clinic); PubMed 29742318 (cited by Mayo Clinic Laboratories, Mayo Clinic); PubMed 36179246 (cited by Mayo Clinic Laboratories, Mayo Clinic).

NM_000552.5(VWF):c.4075G>A (p.Glu1359Lys)

Gene: VWF (von Willebrand factor; minus strand). Cytogenetic location: 12p13.31.
Variant type: single nucleotide variant.
Coding change: c.4075G>A on transcript NM_000552.5 (MANE Select); coding-DNA position 4075, G replaced by A.
Protein change: p.Glu1359Lys; replaces glutamic acid 1359 with lysine.
Molecular consequence: missense variant.
Genome position (GRCh38, 1-based): chr12:6,019,343, C>T on the plus strand (G>A on the coding strand, the complement: VWF is on the minus strand). VCF-style: chr12-6019343-C-T. GRCh37 (hg19) VCF-style: chr12-6128509-C-T.
Other names: p.E1359K; short protein forms E1359K.
Identifiers: ClinVar variation 100321 (VCV000100321.17), dbSNP rs61749407, ClinGen allele CA228524.